The following is an entry in ClinVar:

ClinVar aggregate classification (germline): Uncertain significance (1 of 4 stars; one submission).

Conditions:
Cardiovascular phenotype. Identifiers: MedGen CN230736.

gnomAD v4.1: 1 of 1,606,666 alleles (0.000062%); highest among the groups gnomAD compares: South Asian, 0.0011%; no homozygotes.

Submission:

Ambry Genetics
Classification: Uncertain significance for Cardiovascular phenotype. Last evaluated: 2023-11-17. Review status: criteria provided, single submitter. Criteria: Ambry Variant Classification Scheme 2023. Collection method: clinical testing. Allele origin: germline.
Comment: The p.P3488R variant (also known as c.10463C>G), located in coding exon 30 of the TNXB gene, results from a C to G substitution at nucleotide position 10463. The proline at codon 3488 is replaced by arginine, an amino acid with dissimilar properties. This amino acid position is conserved. In addition, this alteration is predicted to be tolerated by in silico analysis. Since supporting evidence is limited at this time, the clinical significance of this alteration remains unclear.

NM_001365276.2(TNXB):c.10469C>G (p.Pro3490Arg)

Gene: TNXB (tenascin XB; minus strand). Cytogenetic location: 6p21.33.
Variant type: single nucleotide variant.
Coding change: c.10469C>G on transcript NM_001365276.2 (MANE Select); coding-DNA position 10469, C replaced by G.
Protein change: p.Pro3490Arg; replaces proline 3490 with arginine.
Molecular consequence: missense variant.
Genome position (GRCh38, 1-based): chr6:32,046,312, G>C on the plus strand (C>G on the coding strand, the complement: TNXB is on the minus strand). VCF-style: chr6-32046312-G-C. GRCh37 (hg19) VCF-style: chr6-32014089-G-C.
Other names: c.11210C>G, p.Pro3737Arg (NM_001428335.1); c.10463C>G, p.Pro3488Arg (NM_019105.8); short protein forms P3488R, P3490R, P3737R.
Identifiers: ClinVar variation 3227226 (VCV003227226.1), dbSNP rs1482339466, ClinGen allele CA363528726.